The following is an entry in ClinVar:

ClinVar aggregate classification (germline): Uncertain significance (1 of 4 stars; one submission).

Conditions:
Hereditary spastic paraplegia 30. Identifiers: Orphanet 101010, MedGen C5235139, MONDO:0012476.
Neuropathy, hereditary sensory, type 2C. Also called: KIF1A-Related HSAN2 (HSAN2C); Hereditary sensory and autonomic neuropathy type IIC. Identifiers: Orphanet 970, MedGen C3280168, MONDO:0013634, OMIM 614213.
Intellectual disability, autosomal dominant 9 (NESCAVS). Also called: KIF1A-Related Neurodevelopmental Disorder; NESCAV SYNDROME. Identifiers: Orphanet 662367, MedGen C5393830, MONDO:0013656, OMIM 614255.

Submission:

Labcorp Genetics (formerly Invitae), Labcorp
Classification: Uncertain significance for Hereditary spastic paraplegia 30; Neuropathy, hereditary sensory, type 2C; Intellectual disability, autosomal dominant 9. Last evaluated: 2021-05-31. Review status: criteria provided, single submitter. Criteria: Invitae Variant Classification Sherloc (09022015). Collection method: clinical testing. Allele origin: germline.
Comment: In summary, the available evidence is currently insufficient to determine the role of this variant in disease. Therefore, it has been classified as a Variant of Uncertain Significance. Algorithms developed to predict the effect of sequence changes on RNA splicing suggest that this variant may disrupt the consensus splice site, but this prediction has not been confirmed by published transcriptional studies. This variant has not been reported in the literature in individuals with KIF1A-related conditions. This variant is not present in population databases (ExAC no frequency). This sequence change falls in intron 16 of the KIF1A gene. It does not directly change the encoded amino acid sequence of the KIF1A protein.

NM_001244008.2(KIF1A):c.1578-5C>A

Gene: KIF1A (kinesin family member 1A; minus strand). Cytogenetic location: 2q37.3.
Variant type: single nucleotide variant.
Coding change: c.1578-5C>A on transcript NM_001244008.2 (MANE Select); 5 bases into the intron before coding-DNA position 1578, C replaced by A.
Molecular consequence: intron variant.
Genome position (GRCh38, 1-based): chr2:240,767,026, G>T on the plus strand (C>A on the coding strand, the complement: KIF1A is on the minus strand). VCF-style: chr2-240767026-G-T. GRCh37 (hg19) VCF-style: chr2-241706443-G-T.
Other names: c.1551-5C>A (NM_001379653.1, NM_001379650.1, NM_001379645.1 and 10 more transcripts); c.1653-5C>A (NM_001379635.1, NM_001330290.2, NM_001379646.1 and 2 more transcripts); c.1626-5C>A (NM_001379637.1, NM_001379648.1); c.1578-5C>A (NM_001320705.2, NM_001379638.1, NM_001330289.2).
Identifiers: ClinVar variation 1441626 (VCV001441626.8), dbSNP rs779796603, ClinGen allele CA2573135623.
Genomic context (GRCh38, chr2:240,767,026, plus strand): 5'-TGAAGTGCCCACTCAGAACAATGTCCTGCCGCCTCTCGCCATCCTCCCTGCCCACTCTGC[G>T]GGGTGGGGGCACCATCAGCACGGCAGCTGGGACCCAATACACCCAGGACGCCACCCACTG-3'